The following is an entry in ClinVar:

NM_199420.4(POLQ):c.1685G>C (p.Ser562Thr)

Gene: POLQ (DNA polymerase theta; minus strand). Cytogenetic location: 3q13.33.
Variant type: single nucleotide variant.
Coding change: c.1685G>C on transcript NM_199420.4 (MANE Select); coding-DNA position 1685, G replaced by C.
Protein change: p.Ser562Thr; replaces serine 562 with threonine.
Molecular consequence: missense variant.
Genome position (GRCh38, 1-based): chr3:121,510,170, C>G on the plus strand (G>C on the coding strand, the complement: POLQ is on the minus strand). VCF-style: chr3-121510170-C-G. GRCh37 (hg19) VCF-style: chr3-121229017-C-G.
Other names: short protein forms S562T.
Identifiers: ClinVar variation 2561746 (VCV002561746.2), dbSNP rs2546802662, ClinGen allele CA354115046.
Genomic context (GRCh38, chr3:121,510,170, plus strand): 5'-ATCGCTCCAAGCTGAACAGACTCTTGATTTCTCTGAATTCCTTGCTTCCCTTCTTTCATA[C>G]TTGCAGCCAAAAATGTGCAGGCAGCATAAGTATGCATATCTTGTGATGTACTTGCCACTC-3'
Protein context (NP_955452.3, residues 552-572): TYAACTFLAA[Ser562Thr]MKEGKQGIQR

ClinVar aggregate classification (germline): Uncertain significance (1 of 4 stars; one submission).

Allele frequency attached by ClinVar (database versions not stated): gnomAD exomes 0.00001.
gnomAD v4.1: 20 of 1,614,032 alleles (0.0012%); highest among the groups gnomAD compares: Non-Finnish European, 0.0016%; no homozygotes.

Submission:

Ambry Genetics
Classification: Uncertain significance. Last evaluated: 2023-03-29. Review status: criteria provided, single submitter. Criteria: Ambry Variant Classification Scheme 2023. Collection method: clinical testing. Allele origin: germline.
Comment: The p.S562T variant (also known as c.1685G>C), located in coding exon 11 of the POLQ gene, results from a G to C substitution at nucleotide position 1685. The serine at codon 562 is replaced by threonine, an amino acid with similar properties. This amino acid position is conserved. In addition, this alteration is predicted to be tolerated by in silico analysis. Since supporting evidence is limited at this time, the clinical significance of this alteration remains unclear.